The following is an entry in ClinVar:

NM_003482.4(KMT2D):c.15473del (p.Glu5158fs)

Gene: KMT2D (lysine methyltransferase 2D; minus strand). Cytogenetic location: 12q13.12.
Variant type: Deletion.
Coding change: c.15473del on transcript NM_003482.4 (MANE Select); coding-DNA position 15473, one base deleted (A; older notation c.15473delA).
Protein change: p.Glu5158fs; shifts the reading frame from glutamic acid 5158.
Molecular consequence: frameshift variant.
Genome position (GRCh38, 1-based): chr12:49,026,493, T deleted on the plus strand (A on the coding strand, the reverse complement: KMT2D is on the minus strand). VCF-style (leftmost placement, unchanged base first): chr12-49026492-CT-C. GRCh37 (hg19) VCF-style: chr12-49420275-CT-C.
Other names: short protein forms E5158fs.
Identifiers: ClinVar variation 2094991 (VCV002094991.4), dbSNP rs2499036272, ClinGen allele CA2580085708.
Genomic context (GRCh38, chr12:49,026,492, plus strand): 5'-GAACATGTGCAGCCGTTCTCCCCGCTGAATGATGCTAGCGATTTGCTTCACCTCGTCCCG[CT>C]CAATGTAGACCCGCCGGAAGACAGCAAAAGAGCTCAGCTCTTGCTCACAGGGCCCCTTGA-3'

ClinVar aggregate classification (germline): Pathogenic (1 of 4 stars; one submission).

Conditions:
Kabuki syndrome. Also called: Kabuki make-up syndrome; NIIKAWA-KUROKI SYNDROME. Identifiers: Orphanet 2322, MedGen C0796004, MONDO:0016512.

Submission:

Labcorp Genetics (formerly Invitae), Labcorp
Classification: Pathogenic for Kabuki syndrome. Last evaluated: 2022-02-08. Review status: criteria provided, single submitter. Criteria: Invitae Variant Classification Sherloc (09022015). Collection method: clinical testing. Allele origin: germline.
Comment: This sequence change creates a premature translational stop signal (p.Glu5158Glyfs*5) in the KMT2D gene. It is expected to result in an absent or disrupted protein product. Loss-of-function variants in KMT2D are known to be pathogenic (PMID: 22126750). This variant is not present in population databases (gnomAD no frequency). This variant has not been reported in the literature in individuals affected with KMT2D-related conditions. For these reasons, this variant has been classified as Pathogenic.

Literature cited by the submitters: PubMed 22126750.